The following is an entry in ClinVar:

ClinVar aggregate classification (germline): Uncertain significance (1 of 4 stars; one submission).

Conditions:
Combined immunodeficiency due to ORAI1 deficiency. Also called: IMMUNODEFICIENCY 9. Identifiers: Orphanet 169090, Orphanet 317428, MedGen C2748568, MONDO:0013007, OMIM 612782.
Myopathy, tubular aggregate, 2 (TAM2). Identifiers: MedGen C4014557, MONDO:0014383, OMIM 615883.

Allele frequency attached by ClinVar (database versions not stated): gnomAD exomes 0.00001.

Submission:

Labcorp Genetics (formerly Invitae), Labcorp
Classification: Uncertain significance for Myopathy, tubular aggregate, 2; Combined immunodeficiency due to ORAI1 deficiency. Last evaluated: 2025-06-10. Review status: criteria provided, single submitter. Criteria: Invitae Variant Classification Sherloc (09022015). Collection method: clinical testing. Allele origin: germline.
Comment: This sequence change replaces asparagine, which is neutral and polar, with serine, which is neutral and polar, at codon 156 of the ORAI1 protein (p.Asn156Ser). This variant is not present in population databases (gnomAD no frequency). This variant has not been reported in the literature in individuals affected with ORAI1-related conditions. ClinVar contains an entry for this variant (Variation ID: 1432494). Experimental studies and prediction algorithms are not available or were not evaluated, and the functional significance of this variant is currently unknown. In summary, the available evidence is currently insufficient to determine the role of this variant in disease. Therefore, it has been classified as a Variant of Uncertain Significance.

NC_000012.12:g.121641204A>G

Gene: ORAI1 (ORAI calcium release-activated calcium modulator 1; plus strand). Cytogenetic location: 12q24.31.
Variant type: single nucleotide variant.
Genome position: GRCh38 VCF-style: chr12-121641204-A-G. GRCh37 (hg19) VCF-style: chr12-122079110-A-G.
Other names: c.467A>G, p.Asn156Ser (NM_032790.4); short protein forms N156S.
Identifiers: ClinVar variation 1432494 (VCV001432494.6), dbSNP rs1893052177, ClinGen allele CA386983198.